The following is an entry in ClinVar:

NM_020435.4(GJC2):c.704A>G (p.Tyr235Cys)

Gene: GJC2 (gap junction protein gamma 2; plus strand). Cytogenetic location: 1q42.13.
Variant type: single nucleotide variant.
Coding change: c.704A>G on transcript NM_020435.4 (MANE Select); coding-DNA position 704, A replaced by G.
Protein change: p.Tyr235Cys; replaces tyrosine 235 with cysteine.
Molecular consequence: missense variant.
Genome position (GRCh38, 1-based): chr1:228,158,462, A>G. VCF-style: chr1-228158462-A-G. GRCh37 (hg19) VCF-style: chr1-228346163-A-G.
Other names: short protein forms Y235C.
Identifiers: ClinVar variation 3011820 (VCV003011820.3), dbSNP rs1484204802, ClinGen allele CA345099066.

ClinVar aggregate classification (germline): Uncertain significance (1 of 4 stars; one submission).

Conditions:
Spastic paraplegia. Identifiers: MedGen C0037772, HP:0001258.

Allele frequency attached by ClinVar (database versions not stated): gnomAD exomes 0.00001.

Submission:

Labcorp Genetics (formerly Invitae), Labcorp
Classification: Uncertain significance for Spastic paraplegia. Last evaluated: 2023-06-17. Review status: criteria provided, single submitter. Criteria: Invitae Variant Classification Sherloc (09022015). Collection method: clinical testing. Allele origin: germline.
Comment: In summary, the available evidence is currently insufficient to determine the role of this variant in disease. Therefore, it has been classified as a Variant of Uncertain Significance. Advanced modeling of protein sequence and biophysical properties (such as structural, functional, and spatial information, amino acid conservation, physicochemical variation, residue mobility, and thermodynamic stability) has been performed at Invitae for this missense variant, however the output from this modeling did not meet the statistical confidence thresholds required to predict the impact of this variant on GJC2 protein function. This variant has not been reported in the literature in individuals affected with GJC2-related conditions. This variant is not present in population databases (gnomAD no frequency). This sequence change replaces tyrosine, which is neutral and polar, with cysteine, which is neutral and slightly polar, at codon 235 of the GJC2 protein (p.Tyr235Cys).